The following is an entry in ClinVar:

NM_000256.3(MYBPC3):c.3215_3216insG (p.Arg1073fs)

Gene: MYBPC3 (myosin binding protein C3; minus strand). Cytogenetic location: 11p11.2.
Variant type: Insertion.
Coding change: c.3215_3216insG on transcript NM_000256.3 (MANE Select); coding-DNA positions 3215 to 3216, G inserted.
Protein change: p.Arg1073fs; shifts the reading frame from arginine 1073.
Molecular consequence: frameshift variant.
Genome position: GRCh38 VCF-style: chr11-47333308-G-GC. GRCh37 (hg19) VCF-style: chr11-47354859-G-GC.
Other names: short protein forms R1073fs.
Identifiers: ClinVar variation 1455826 (VCV001455826.6), dbSNP rs2142851045, ClinGen allele CA2573146366.

ClinVar aggregate classification (germline): Pathogenic (1 of 4 stars; one submission).

Conditions:
Hypertrophic cardiomyopathy. Also called: HYPERTROPHIC MYOCARDIOPATHY. Identifiers: Orphanet 217569, MedGen C0007194, MeSH D002312, MONDO:0005045, HP:0001639.

Submission:

Labcorp Genetics (formerly Invitae), Labcorp
Classification: Pathogenic for Hypertrophic cardiomyopathy. Last evaluated: 2024-02-19. Review status: criteria provided, single submitter. Criteria: Invitae Variant Classification Sherloc (09022015). Collection method: clinical testing. Allele origin: germline.
Comment: This sequence change creates a premature translational stop signal (p.Arg1073Profs*4) in the MYBPC3 gene. It is expected to result in an absent or disrupted protein product. Loss-of-function variants in MYBPC3 are known to be pathogenic (PMID: 19574547). This variant is not present in population databases (gnomAD no frequency). This premature translational stop signal has been observed in individual(s) with hypertrophic cardiomyopathy (PMID: 30586709). ClinVar contains an entry for this variant (Variation ID: 1455826). For these reasons, this variant has been classified as Pathogenic.

Literature cited by the submitters: PubMed 19574547; PubMed 30586709.